The following is an entry in ClinVar:

ClinVar aggregate classification (germline): Likely pathogenic (1 of 4 stars; one submission).

Conditions:
Nemaline myopathy 2 (NEM2). Also called: Nemaline myopathy 2, autosomal recessive. Identifiers: MedGen C1850569, MONDO:0009725, OMIM 256030.

Submission:

Natera, Inc.
Classification: Likely pathogenic for Nemaline myopathy type 2. Last evaluated: 2024-04-22. Review status: criteria provided, single submitter. Criteria: Natera Variant Classification Schema (03/2026). Collection method: clinical testing. Allele origin: germline.
Comment: The c.12977_12981dupGCAAT variant in NEB is a frameshift variant predicted to shift the reading frame beginning at codon 4328 and leads to a stop codon 16 codons downstream. This variant is expected to result in nonsense mediated decay, truncation, or a dysfunctional protein product. This variant is rare in the general population with a frequency below the threshold expected for the associated phenotype(s). Given the available evidence, this variant is classified as Likely Pathogenic.

NM_001164508.2(NEB):c.12977_12981dup (p.Tyr4328fs)

Gene: NEB (nebulin; minus strand). Cytogenetic location: 2q23.3.
Variant type: Duplication.
Coding change: c.12977_12981dup on transcript NM_001164508.2 (MANE Select); coding-DNA positions 12977 to 12981, 5 bases duplicated (GCAAT; older notation c.12977_12981dupGCAAT).
Protein change: p.Tyr4328fs; shifts the reading frame from tyrosine 4328.
Molecular consequence: frameshift variant. On other transcripts: intron variant (1).
Genome position (GRCh38, 1-based): chr2:151,604,638-151,604,642, ATTGC duplicated on the plus strand (GCAAT on the coding strand, the reverse complement: NEB is on the minus strand). VCF-style (leftmost placement, unchanged base first): chr2-151604637-A-AATTGC. GRCh37 (hg19) VCF-style: chr2-152461151-A-AATTGC.
Other names: c.12977_12981dupGCAAT (NM_001271208.1); c.12977_12981dup, p.Tyr4328fs (NM_001164507.2, NM_001271208.2); c.11601+5167_11601+5171dup (NM_004543.5); short protein forms Y4328fs.
Identifiers: ClinVar variation 4814718 (VCV004814718.1).
Genomic context (GRCh38, chr2:151,604,637, plus strand): 5'-AGGCTTTCTTGGCCTGGATCACATCGTTCTGATCTGGCAGACACGTCCACTGGTGCAGAT[A>AATTGC]ATTGCGATAATCAATGTCGCTAACCAGGACCTGGCATTTCTTGGCTTGAACAATTGACAT-3'